The following is an entry in ClinVar:

NM_014855.3(AP5Z1):c.759C>T (p.Ser253=)

Gene: AP5Z1 (adaptor related protein complex 5 subunit zeta 1; plus strand). Cytogenetic location: 7p22.1.
Variant type: single nucleotide variant.
Coding change: c.759C>T on transcript NM_014855.3 (MANE Select); coding-DNA position 759, C replaced by T.
Protein change: p.Ser253=; no amino-acid change (serine 253 retained).
Molecular consequence: synonymous variant. On other transcripts: non-coding transcript variant (1).
Genome position (GRCh38, 1-based): chr7:4,784,340, C>T. VCF-style: chr7-4784340-C-T. GRCh37 (hg19) VCF-style: chr7-4823971-C-T.
Other names: p.Ser253=; c.759C>T, p.Ser253= (LRG_1247t1); c.291C>T, p.Ser97= (NM_001364858.1).
Identifiers: ClinVar variation 128415 (VCV000128415.26), dbSNP rs17135121, ClinGen allele CA151869.

ClinVar aggregate classification (germline): Benign. Review status: criteria provided, multiple submitters, no conflicts (2 of 4 stars). 7 submissions from 7 submitters: Benign (6). 1 of the submissions does not count toward it. Last evaluated 2026-02-04.

Conditions:
Hereditary spastic paraplegia 48. Also called: SPASTIC PARAPLEGIA 48, AUTOSOMAL RECESSIVE; Spastic paraplegia 48. Identifiers: Orphanet 306511, MedGen C3150901, MONDO:0013342, OMIM 613647.
Hereditary spastic paraplegia. Also called: Familial spastic paraparesis. Identifiers: Orphanet 685, MedGen C0037773, MONDO:0019064. Disease mechanism: loss of function.

Allele frequency attached by ClinVar (database versions not stated): ExAC 0.19961; gnomAD 0.21812 and 0.22358; ESP Exome Variant Server 0.21827; TOPMed 0.23042; 1000 Genomes Project 0.24980; 1000 Genomes Project 30x 0.25906.
gnomAD v4.1: 202,073 of 1,589,634 alleles (13%); highest among the groups gnomAD compares: African/African-American, 52%; 20,078 homozygotes.

Submissions (7):

Labcorp Genetics (formerly Invitae), Labcorp
Classification: Benign for Hereditary spastic paraplegia 48. Last evaluated: 2026-02-04. Review status: criteria provided, single submitter. Criteria: Invitae Variant Classification Sherloc (09022015). Collection method: clinical testing. Allele origin: germline.

Genome-Nilou Lab
Classification: Benign for Hereditary spastic paraplegia 48. Last evaluated: 2021-07-14. Review status: criteria provided, single submitter. Criteria: ACMG Guidelines, 2015. Collection method: clinical testing. Allele origin: germline. Affected: no.

GeneDx
Classification: Benign. Last evaluated: 2018-08-07. Review status: criteria provided, single submitter. Criteria: GeneDx Variant Classification Process June 2021. Collection method: clinical testing. Allele origin: germline. Affected: yes.

Illumina Laboratory Services, Illumina
Classification: Benign for Hereditary spastic paraplegia 48. Last evaluated: 2018-01-13. Review status: criteria provided, single submitter. Criteria: ICSL Variant Classification Criteria 13 December 2019. Collection method: clinical testing. Allele origin: germline.
Comment: This variant was observed in the ICSL laboratory as part of a predisposition screen in an ostensibly healthy population. It had not been previously curated by ICSL or reported in the Human Gene Mutation Database (HGMD: prior to June 1st, 2018), and was therefore a candidate for classification through an automated scoring system. Utilizing variant allele frequency, disease prevalence and penetrance estimates, and inheritance mode, an automated score was calculated to assess if this variant is too frequent to cause the disease. Based on the score and internal cut-off values, a variant classified as benign is not then subjected to further curation. The score for this variant resulted in a classification of benign for this disease.

Mayo Clinic Laboratories, Mayo Clinic
Classification: Benign. Last evaluated: 2017-07-24. Review status: criteria provided, single submitter. Criteria: ACMG Guidelines, 2015. Collection method: clinical testing. Allele origin: germline. Observed: 336 variant alleles.

Genome Diagnostics Laboratory, The Hospital for Sick Children
Classification: Benign for Hereditary spastic paraplegia. Last evaluated: 2016-12-12. Review status: criteria provided, single submitter. Criteria: ACMG Guidelines, 2015. Collection method: clinical testing. Allele origin: germline. Affected: yes.

Genetic Services Laboratory, University of Chicago
Classification: Likely benign for AllHighlyPenetrant. Review status: no assertion criteria provided. Collection method: clinical testing. Allele origin: germline. Inheritance: Autosomal recessive inheritance. Not counted in ClinVar's aggregate classification.
Comment: Likely benign based on allele frequency in 1000 Genomes Project or ESP global frequency and its presence in a patient with a rare or unrelated disease phenotype. NOT Sanger confirmed.